The following is an entry in ClinVar:

ClinVar aggregate classification (germline): Benign (1 of 4 stars; one submission).

Conditions:
Familial adenomatous polyposis 1 (FAP1). Also called: POLYPOSIS, ADENOMATOUS INTESTINAL; FAMILIAL ADENOMATOUS POLYPOSIS 1, ATTENUATED. Identifiers: MedGen C2713442, MONDO:0021056, OMIM 175100. Disease mechanism: loss of function.

Submission:

Myriad Genetics, Inc.
Classification: Benign for Familial adenomatous polyposis 1. Last evaluated: 2024-03-08. Review status: criteria provided, single submitter. Criteria: Myriad Autosomal Dominant, Autosomal Recessive and X-Linked Classification Criteria (2023). Collection method: clinical testing. Allele origin: unknown.
Comment: This variant is considered benign. This variant is intronic and is not expected to impact mRNA splicing.

NM_000038.6(APC):c.1958+27dup

Gene: APC (APC regulator of Wnt signaling pathway; plus strand). Cytogenetic location: 5q22.2.
Variant type: Duplication.
Coding change: c.1958+27dup on transcript NM_000038.6 (MANE Select); 27 bases into the intron after coding-DNA position 1958, one base duplicated (T; older notation c.1958+27dupT).
Molecular consequence: intron variant.
Genome position (GRCh38, 1-based): chr5:112,835,192, T duplicated; the last of 4 consecutive T bases (chr5:112,835,189-112,835,192); duplicating any one gives the same sequence. VCF-style (leftmost placement, unchanged base first): chr5-112835188-C-CT. GRCh37 (hg19) VCF-style: chr5-112170885-C-CT.
Other names: c.1109+27dup (NM_001407470.1, NM_001354906.2); c.806+27dup (NM_001407472.1, NM_001407471.1); c.2012+27dup (NM_001407447.1, NM_001407448.1, NM_001407449.1 and 1 more transcripts); c.1958+27dup (NM_001354895.2, NM_001407450.1, NM_001127510.3); c.1709+27dup (NM_001407456.1, NM_001407457.1, NM_001407455.1 and 1 more transcripts); c.1655+27dup (NM_001407460.1, NM_001407458.1, NM_001407459.1 and 1 more transcripts); c.1928+27dup (NM_001407452.1); c.1571+27dup (NM_001407469.1, NM_001407467.1); and 11 more.
Identifiers: ClinVar variation 3148802 (VCV003148802.1), dbSNP rs1402242990, ClinGen allele CA1573471839.